The following is an entry in ClinVar:

NM_012082.4(ZFPM2):c.1473_1476dup (p.Pro493fs)

Genes: ZFPM2 (zinc finger protein, FOG family member 2; plus strand), ZFPM2-AS1 (ZFPM2 antisense RNA 1; minus strand). Cytogenetic location: 8q23.1.
Variant type: Duplication.
Coding change: c.1473_1476dup on transcript NM_012082.4 (MANE Select); coding-DNA positions 1473 to 1476, 4 bases duplicated (TTTC; older notation c.1473_1476dupTTTC).
Protein change: p.Pro493fs; shifts the reading frame from proline 493.
Molecular consequence: frameshift variant.
Genome position (GRCh38, 1-based): chr8:105,801,555-105,801,558, TTTC duplicated; duplicating any 4 consecutive bases within chr8:105,801,552-105,801,558 gives the same sequence; the c. name uses the placement nearest the transcript's 3' end. VCF-style (leftmost placement, unchanged base first): chr8-105801551-C-CTTCT. GRCh37 (hg19) VCF-style: chr8-106813779-C-CTTCT.
Other names: c.1314_1317dup, p.Pro440fs (NM_001362836.2); c.1077_1080dup, p.Pro361fs (NM_001362837.2); short protein forms P440fs, P361fs, P493fs.
Identifiers: ClinVar variation 4994748 (VCV004994748.1).

ClinVar aggregate classification (germline): Uncertain significance (1 of 4 stars; one submission).

Conditions:
ZFPM2-related disorder. Also called: ZFPM2-related condition.

Submission:

PreventionGenetics, part of Exact Sciences
Classification: Uncertain significance for ZFPM2-related condition. Last evaluated: 2026-03-08. Review status: criteria provided, single submitter. Criteria: ACMG Guidelines, 2015. Collection method: clinical testing. Allele origin: germline.
Comment: The ZFPM2 c.1473_1476dupTTTC variant is predicted to result in a frameshift and premature protein termination (p.Pro493Phefs*28). This variant is located in the final exon of ZFPM2 and is not predicted to undergo nonsense mediated decay. To our knowledge, this variant has not been reported in the literature or in a large population database (gnomAD), indicating this variant is rare. Frameshift variants are known to be pathogenic; however, to our knowledge, only one truncating variant has been reported downstream of this variant (c.3186delC in Longoni et al. 2015. PubMed ID: 24702427). At this time, the clinical significance of this variant is uncertain due to the absence of conclusive functional and genetic evidence.